The following is an entry in ClinVar:

ClinVar aggregate classification (germline): Uncertain significance (1 of 4 stars; one submission).

Conditions:
Tumor predisposition syndrome 3 (TPDS3). Also called: Melanoma, cutaneous malignant, susceptibility to, 10; LONG TELOMERE SYNDROME, POT1-RELATED; POT1 Tumor Predisposition; Glioma susceptibility 9. Identifiers: Orphanet 618, MedGen C4014476, MONDO:0014368, OMIM 615848.

Submission:

Labcorp Genetics (formerly Invitae), Labcorp
Classification: Uncertain significance for Tumor predisposition syndrome 3. Last evaluated: 2023-02-04. Review status: criteria provided, single submitter. Criteria: Invitae Variant Classification Sherloc (09022015). Collection method: clinical testing. Allele origin: germline.
Comment: In summary, the available evidence is currently insufficient to determine the role of this variant in disease. Therefore, it has been classified as a Variant of Uncertain Significance. Algorithms developed to predict the effect of sequence changes on RNA splicing suggest that this variant may create or strengthen a splice site. This variant has not been reported in the literature in individuals affected with POT1-related conditions. This variant is not present in population databases (gnomAD no frequency). This sequence change affects codon 253 of the POT1 mRNA. It is a 'silent' change, meaning that it does not change the encoded amino acid sequence of the POT1 protein.

NM_015450.3(POT1):c.759A>C (p.Ser253=)

Gene: POT1 (protection of telomeres 1; minus strand). Cytogenetic location: 7q31.33.
Variant type: single nucleotide variant.
Coding change: c.759A>C on transcript NM_015450.3 (MANE Select); coding-DNA position 759, A replaced by C.
Protein change: p.Ser253=; no amino-acid change (serine 253 retained).
Molecular consequence: synonymous variant. On other transcripts: non-coding transcript variant (3).
Genome position (GRCh38, 1-based): chr7:124,853,082, T>G on the plus strand (A>C on the coding strand, the complement: POT1 is on the minus strand). VCF-style: chr7-124853082-T-G. GRCh37 (hg19) VCF-style: chr7-124493136-T-G.
Other names: c.366A>C, p.Ser122= (NM_001042594.2).
Identifiers: ClinVar variation 2834589 (VCV002834589.3), dbSNP rs2485441911, ClinGen allele CA457467486.